The following is an entry in ClinVar:

ClinVar aggregate classification (germline): Uncertain significance (1 of 4 stars; one submission).

Allele frequency attached by ClinVar (database versions not stated): gnomAD exomes below 0.00001.

Submission:

CeGaT Center for Human Genetics Tuebingen
Classification: Uncertain significance. Last evaluated: 2022-05-01. Review status: criteria provided, single submitter. Criteria: CeGaT Center For Human Genetics Tuebingen Variant Classification Criteria Version 2. Collection method: clinical testing. Allele origin: germline. Affected: yes. Observed: 1 variant allele.
Comment: TBX3: PM2, PP3

NM_005996.4(TBX3):c.1859A>G (p.Tyr620Cys)

Gene: TBX3 (T-box transcription factor 3; minus strand). Cytogenetic location: 12q24.21.
Variant type: single nucleotide variant.
Coding change: c.1859A>G on transcript NM_005996.4 (MANE Select); coding-DNA position 1859, A replaced by G.
Protein change: p.Tyr620Cys; replaces tyrosine 620 with cysteine.
Molecular consequence: missense variant.
Genome position (GRCh38, 1-based): chr12:114,672,154, T>C on the plus strand (A>G on the coding strand, the complement: TBX3 is on the minus strand). VCF-style: chr12-114672154-T-C. GRCh37 (hg19) VCF-style: chr12-115109959-T-C.
Other names: c.1919A>G, p.Tyr640Cys (NM_016569.4); short protein forms Y620C, Y640C.
Identifiers: ClinVar variation 1694677 (VCV001694677.31), dbSNP rs1030153498, ClinGen allele CA244141676.